The following is an entry in ClinVar:

NM_001032386.2(SUOX):c.571del (p.Gln191fs)

Gene: SUOX (sulfite oxidase; plus strand). Cytogenetic location: 12q13.2.
Variant type: Deletion.
Coding change: c.571del on transcript NM_001032386.2 (MANE Select); coding-DNA position 571, one base deleted (C; older notation c.571delC).
Protein change: p.Gln191fs; shifts the reading frame from glutamine 191.
Molecular consequence: frameshift variant.
Genome position (GRCh38, 1-based): chr12:56,003,960, C deleted; the last of 2 consecutive C bases (chr12:56,003,959-56,003,960); deleting either gives the same sequence. VCF-style (leftmost placement, unchanged base first): chr12-56003958-GC-G. GRCh37 (hg19) VCF-style: chr12-56397742-GC-G.
Other names: c.571del, p.Gln191fs (NM_000456.3, NM_001032387.2); short protein forms Q191fs.
Identifiers: ClinVar variation 2195828 (VCV002195828.4), dbSNP rs1171191979, ClinGen allele CA605400529.
Genomic context (GRCh38, chr12:56,003,958, plus strand): 5'-TGGAGACCTCTGACCCTTATGCTGATGATCCTGTACGTCACCCAGCCCTGAAGGTCAACA[GC>G]CAGCGGCCCTTTAATGCAGAGCCTCCCCCTGAGCTGCTGACAGAAAACTACATCACACCC-3'

ClinVar aggregate classification (germline): Pathogenic (1 of 4 stars; one submission).

Conditions:
Sulfite oxidase deficiency. Also called: Isolated sulfite oxidase deficiency. Identifiers: Orphanet 833, Orphanet 99731, MedGen C0268624, MONDO:0010089, OMIM 272300, HP:0003643.

Submission:

Labcorp Genetics (formerly Invitae), Labcorp
Classification: Pathogenic for Sulfite oxidase deficiency. Last evaluated: 2023-10-30. Review status: criteria provided, single submitter. Criteria: Invitae Variant Classification Sherloc (09022015). Collection method: clinical testing. Allele origin: germline.
Comment: This sequence change creates a premature translational stop signal (p.Gln191Serfs*13) in the SUOX gene. While this is not anticipated to result in nonsense mediated decay, it is expected to disrupt the last 355 amino acid(s) of the SUOX protein. This variant is present in population databases (no rsID available, gnomAD 0.007%). This premature translational stop signal has been observed in individual(s) with sulfite oxidase deficiency (PMID: 9050047). This variant is also known as deletion of cytosine 1302. ClinVar contains an entry for this variant (Variation ID: 2195828). This variant disrupts a region of the SUOX protein in which other variant(s) (p.Arg459Gln) have been determined to be pathogenic (PMID: 31870341). This suggests that this is a clinically significant region of the protein, and that variants that disrupt it are likely to be disease-causing. For these reasons, this variant has been classified as Pathogenic.

Literature cited by the submitters: PubMed 9050047; PubMed 31870341.